The following is an entry in ClinVar:

NM_022765.4(MICAL1):c.1191+3G>A

Gene: MICAL1 (microtubule associated monooxygenase, calponin and LIM domain containing 1; minus strand). Cytogenetic location: 6q21.
Variant type: single nucleotide variant.
Coding change: c.1191+3G>A on transcript NM_022765.4 (MANE Select); 3 bases into the intron after coding-DNA position 1191, G replaced by A.
Molecular consequence: intron variant.
Genome position (GRCh38, 1-based): chr6:109,450,297, C>T on the plus strand (G>A on the coding strand, the complement: MICAL1 is on the minus strand). VCF-style: chr6-109450297-C-T. GRCh37 (hg19) VCF-style: chr6-109771500-C-T.
Other names: c.1248+3G>A (NM_001286613.2); c.934-212G>A (NM_001159291.2).
Identifiers: ClinVar variation 2880689 (VCV002880689.3), dbSNP rs2482799968, ClinGen allele CA2578711118.

ClinVar aggregate classification (germline): Uncertain significance (1 of 4 stars; one submission).

Allele frequency attached by ClinVar (database versions not stated): gnomAD exomes below 0.00001.
gnomAD v4.1: 3 of 1,600,794 alleles (0.00019%); highest among the groups gnomAD compares: Non-Finnish European, 0.00026%; no homozygotes.

Submission:

Labcorp Genetics (formerly Invitae), Labcorp
Classification: Uncertain significance. Last evaluated: 2024-10-24. Review status: criteria provided, single submitter. Criteria: Invitae Variant Classification Sherloc (09022015). Collection method: clinical testing. Allele origin: germline.
Comment: This sequence change falls in intron 8 of the MICAL1 gene. It does not directly change the encoded amino acid sequence of the MICAL1 protein. It affects a nucleotide within the consensus splice site. This variant is not present in population databases (gnomAD no frequency). This variant has not been reported in the literature in individuals affected with MICAL1-related conditions. Variants that disrupt the consensus splice site are a relatively common cause of aberrant splicing (PMID: 17576681, 9536098). Algorithms developed to predict the effect of sequence changes on RNA splicing suggest that this variant is not likely to affect RNA splicing. In summary, the available evidence is currently insufficient to determine the role of this variant in disease. Therefore, it has been classified as a Variant of Uncertain Significance.

Literature cited by the submitters: PubMed 17576681; PubMed 9536098.